The following is an entry in ClinVar:

NM_194454.3(KRIT1):c.262+132_262+133del

Gene: KRIT1 (KRIT1 ankyrin repeat containing; minus strand). Cytogenetic location: 7q21.2.
Variant type: Deletion.
Coding change: c.262+132_262+133del on transcript NM_194454.3 (MANE Select); bases 132 to 133 of the intron after coding-DNA position 262, 2 bases deleted (AA; older notation c.262+132_262+133delAA).
Molecular consequence: intron variant.
Genome position (GRCh38, 1-based): chr7:92,240,860-92,240,861, TT deleted on the plus strand (AA on the coding strand, the reverse complement: KRIT1 is on the minus strand). VCF-style (leftmost placement, unchanged base first): chr7-92240859-CTT-C. GRCh37 (hg19) VCF-style: chr7-91870173-CTT-C.
Other names: c.262+132_262+133del (NM_001350687.1, NM_001350688.1, NM_001350684.1 and 29 more transcripts); c.-322+132_-322+133del (NM_001350671.1).
Identifiers: ClinVar variation 5037693 (VCV005037693.1).

ClinVar aggregate classification (germline): Likely pathogenic (1 of 4 stars; one submission).

Submission:

GeneDx
Classification: Likely pathogenic. Last evaluated: 2026-04-19. Review status: criteria provided, single submitter. Criteria: GeneDx Variant Classification Process June 2021. Collection method: clinical testing. Allele origin: germline.
Comment: Functional studies demonstrate that this variant results in inclusion of a 99 bp pseudoexon between exons 5 and 6, which leads to a premature stop codon (PMID: 24251678); No data available from ethnically-matched control populations to assess the frequency of this variant; This variant is associated with the following publications: (PMID: 24251678)